The following is an entry in ClinVar:

NM_003482.4(KMT2D):c.325G>A (p.Val109Met)

Gene: KMT2D (lysine methyltransferase 2D; minus strand). Cytogenetic location: 12q13.12.
Variant type: single nucleotide variant.
Coding change: c.325G>A on transcript NM_003482.4 (MANE Select); coding-DNA position 325, G replaced by A.
Protein change: p.Val109Met; replaces valine 109 with methionine.
Molecular consequence: missense variant.
Genome position (GRCh38, 1-based): chr12:49,054,603, C>T on the plus strand (G>A on the coding strand, the complement: KMT2D is on the minus strand). VCF-style: chr12-49054603-C-T. GRCh37 (hg19) VCF-style: chr12-49448386-C-T.
Other names: short protein forms V109M.
Identifiers: ClinVar variation 4801266 (VCV004801266.1).

ClinVar aggregate classification (germline): Uncertain significance (1 of 4 stars; one submission).

Conditions:
Kabuki syndrome. Also called: NIIKAWA-KUROKI SYNDROME; Kabuki make-up syndrome. Identifiers: Orphanet 2322, MedGen C0796004, MONDO:0016512.

Submission:

Labcorp Genetics (formerly Invitae), Labcorp
Classification: Uncertain significance for Kabuki syndrome. Last evaluated: 2025-07-31. Review status: criteria provided, single submitter. Criteria: Invitae Variant Classification Sherloc (09022015). Collection method: clinical testing. Allele origin: germline.
Comment: This sequence change replaces valine, which is neutral and non-polar, with methionine, which is neutral and non-polar, at codon 109 of the KMT2D protein (p.Val109Met). This variant is not present in population databases (gnomAD no frequency). This variant has not been reported in the literature in individuals affected with KMT2D-related conditions. Invitae Evidence Modeling of protein sequence and biophysical properties (such as structural, functional, and spatial information, amino acid conservation, physicochemical variation, residue mobility, and thermodynamic stability) indicates that this missense variant is not expected to disrupt KMT2D protein function with a negative predictive value of 95%. In summary, the available evidence is currently insufficient to determine the role of this variant in disease. Therefore, it has been classified as a Variant of Uncertain Significance.